The following is an entry in ClinVar:

ClinVar aggregate classification (germline): Uncertain significance. Review status: criteria provided, multiple submitters, no conflicts (2 of 4 stars). 2 submissions from 2 submitters: Uncertain significance (2). Last evaluated 2024-11-13.

Allele frequency attached by ClinVar (database versions not stated): gnomAD 0.00001; TOPMed 0.00001; ExAC 0.00002; gnomAD exomes 0.00002 and 0.00003; 1000 Genomes Project 30x 0.00016; 1000 Genomes Project 0.00020.
gnomAD v4.1: 41 of 1,614,112 alleles (0.0025%); highest among the groups gnomAD compares: South Asian, 0.0033%; no homozygotes.

Submissions (2):

Blueprint Genetics
Classification: Uncertain significance. Last evaluated: 2024-11-13. Review status: criteria provided, single submitter. Criteria: ACMG Guidelines, 2015. Collection method: clinical testing. Allele origin: germline.

Labcorp Genetics (formerly Invitae), Labcorp
Classification: Uncertain significance. Last evaluated: 2022-11-22. Review status: criteria provided, single submitter. Criteria: Invitae Variant Classification Sherloc (09022015). Collection method: clinical testing. Allele origin: germline.
Comment: In summary, the available evidence is currently insufficient to determine the role of this variant in disease. Therefore, it has been classified as a Variant of Uncertain Significance. Advanced modeling of protein sequence and biophysical properties (such as structural, functional, and spatial information, amino acid conservation, physicochemical variation, residue mobility, and thermodynamic stability) performed at Invitae indicates that this missense variant is not expected to disrupt DHX38 protein function. ClinVar contains an entry for this variant (Variation ID: 838800). This missense change has been observed in individuals with DHX38-related conditions (Invitae). This variant is present in population databases (rs537886181, gnomAD 0.003%). This sequence change replaces asparagine, which is neutral and polar, with serine, which is neutral and polar, at codon 338 of the DHX38 protein (p.Asn338Ser).

NM_014003.4(DHX38):c.1013A>G (p.Asn338Ser)

Gene: DHX38 (DEAH-box helicase 38; plus strand). Cytogenetic location: 16q22.2.
Variant type: single nucleotide variant.
Coding change: c.1013A>G on transcript NM_014003.4 (MANE Select); coding-DNA position 1013, A replaced by G.
Protein change: p.Asn338Ser; replaces asparagine 338 with serine.
Molecular consequence: missense variant.
Genome position (GRCh38, 1-based): chr16:72,099,784, A>G. VCF-style: chr16-72099784-A-G. GRCh37 (hg19) VCF-style: chr16-72133683-A-G.
Other names: short protein forms N338S.
Identifiers: ClinVar variation 838800 (VCV000838800.9), dbSNP rs537886181, ClinGen allele CA8160175.
Genomic context (GRCh38, chr16:72,099,784, plus strand): 5'-CCCTGCAGCAAGCCGATCGGGATTGGTACATGATGGACGAGGGCTATGACGAGTTCCACA[A>G]CCCGCTGGCCTACTCCTCCGAGGACTACGTGAGGAGGCGGGAGCAGCACCTGCATAAACA-3'
Protein context (NP_054722.2, residues 328-348): MMDEGYDEFH[Asn338Ser]PLAYSSEDYV